The following is an entry in ClinVar:

ClinVar aggregate classification (germline): Uncertain significance. Review status: criteria provided, multiple submitters, no conflicts (2 of 4 stars). 2 submissions from 2 submitters: Uncertain significance (2). Last evaluated 2025-03-09.

Conditions:
Brugada syndrome. Also called: Sudden unexplained nocturnal death syndrome; Sudden unexpected nocturnal death syndrome; Sudden Unexplained Death Syndrome; Sudden Unexplained Nocturnal Death Syndrome (SUNDS). Identifiers: Orphanet 130, MedGen C1142166, MONDO:0015263.
Cardiovascular phenotype. Identifiers: MedGen CN230736.

Allele frequency attached by ClinVar (database versions not stated): TOPMed 0.00002; ExAC 0.00003; gnomAD 0.00005; ESP Exome Variant Server 0.00008.
gnomAD v4.1: 56 of 1,614,038 alleles (0.0035%); highest among the groups gnomAD compares: Middle Eastern, 0.016%; no homozygotes.

Submissions (2):

Ambry Genetics
Classification: Uncertain significance for Cardiovascular phenotype. Last evaluated: 2025-03-09. Review status: criteria provided, single submitter. Criteria: Ambry Variant Classification Scheme 2023. Collection method: clinical testing. Allele origin: germline.
Comment: The p.G781R variant (also known as c.2341G>A), located in coding exon 15 of the SCN10A gene, results from a G to A substitution at nucleotide position 2341. The glycine at codon 781 is replaced by arginine, an amino acid with dissimilar properties. This amino acid position is conserved. In addition, this alteration is predicted to be deleterious by in silico analysis. Since supporting evidence is limited at this time, the clinical significance of this alteration remains unclear.

Labcorp Genetics (formerly Invitae), Labcorp
Classification: Uncertain significance for Brugada syndrome. Last evaluated: 2023-08-24. Review status: criteria provided, single submitter. Criteria: Invitae Variant Classification Sherloc (09022015). Collection method: clinical testing. Allele origin: germline.
Comment: This variant has not been reported in the literature in individuals affected with SCN10A-related conditions. In summary, the available evidence is currently insufficient to determine the role of this variant in disease. Therefore, it has been classified as a Variant of Uncertain Significance. Advanced modeling of protein sequence and biophysical properties (such as structural, functional, and spatial information, amino acid conservation, physicochemical variation, residue mobility, and thermodynamic stability) performed at Invitae indicates that this missense variant is not expected to disrupt SCN10A protein function. ClinVar contains an entry for this variant (Variation ID: 574347). This variant is present in population databases (rs148851890, gnomAD 0.009%). This sequence change replaces glycine, which is neutral and non-polar, with arginine, which is basic and polar, at codon 781 of the SCN10A protein (p.Gly781Arg).

NM_006514.4(SCN10A):c.2341G>A (p.Gly781Arg)

Gene: SCN10A (sodium voltage-gated channel alpha subunit 10; minus strand). Cytogenetic location: 3p22.2.
Variant type: single nucleotide variant.
Coding change: c.2341G>A on transcript NM_006514.4 (MANE Select); coding-DNA position 2341, G replaced by A.
Protein change: p.Gly781Arg; replaces glycine 781 with arginine.
Molecular consequence: missense variant.
Genome position (GRCh38, 1-based): chr3:38,728,841, C>T on the plus strand (G>A on the coding strand, the complement: SCN10A is on the minus strand). VCF-style: chr3-38728841-C-T. GRCh37 (hg19) VCF-style: chr3-38770332-C-T.
Other names: c.2341G>A, p.Gly781Arg (NM_001293306.2); c.2047G>A, p.Gly683Arg (NM_001293307.2); short protein forms G781R, G683R.
Identifiers: ClinVar variation 574347 (VCV000574347.8), dbSNP rs148851890, ClinGen allele CA2320560.